The following is an entry in ClinVar:

ClinVar aggregate classification (germline): Likely benign (0 of 4 stars; one submission).

Conditions:
KMT2C-related disorder. Also called: KMT2C-related disorders; KMT2C-related condition.

Allele frequency attached by ClinVar (database versions not stated): gnomAD exomes below 0.00001; ExAC 0.00001; TOPMed 0.00001; gnomAD 0.00003.
gnomAD v4.1: 10 of 1,608,668 alleles (0.00062%); highest among the groups gnomAD compares: African/African-American, 0.0094%; no homozygotes.

Submission:

PreventionGenetics, part of Exact Sciences
Classification: Likely benign for KMT2C-related condition. Last evaluated: 2022-06-21. Review status: no assertion criteria provided. Collection method: clinical testing. Allele origin: germline.
Comment: This variant is classified as likely benign based on ACMG/AMP sequence variant interpretation guidelines (Richards et al. 2015 PMID: 25741868, with internal and published modifications).

NM_170606.3(KMT2C):c.3972G>A (p.Glu1324=)

Gene: KMT2C (lysine methyltransferase 2C; minus strand). Cytogenetic location: 7q36.1.
Variant type: single nucleotide variant.
Coding change: c.3972G>A on transcript NM_170606.3 (MANE Select); coding-DNA position 3972, G replaced by A.
Protein change: p.Glu1324=; no amino-acid change (glutamic acid 1324 retained).
Molecular consequence: synonymous variant.
Genome position (GRCh38, 1-based): chr7:152,203,054, C>T on the plus strand (G>A on the coding strand, the complement: KMT2C is on the minus strand). VCF-style: chr7-152203054-C-T. GRCh37 (hg19) VCF-style: chr7-151900139-C-T.
Identifiers: ClinVar variation 3053172 (VCV003053172.2), dbSNP rs746567373, ClinGen allele CA4580669.